The following is an entry in ClinVar:

NM_001198.4(PRDM1):c.1306A>G (p.Asn436Asp)

Gene: PRDM1 (PR/SET domain 1; plus strand). Cytogenetic location: 6q21.
Variant type: single nucleotide variant.
Coding change: c.1306A>G on transcript NM_001198.4 (MANE Select); coding-DNA position 1306, A replaced by G.
Protein change: p.Asn436Asp; replaces asparagine 436 with aspartic acid.
Molecular consequence: missense variant.
Genome position (GRCh38, 1-based): chr6:106,105,466, A>G. VCF-style: chr6-106105466-A-G. GRCh37 (hg19) VCF-style: chr6-106553341-A-G.
Other names: c.904A>G, p.Asn302Asp (NM_182907.3); short protein forms N436D, N302D.
Identifiers: ClinVar variation 135080 (VCV000135080.1), dbSNP rs587778625, ClinGen allele CA161626.

ClinVar aggregate classification (germline): not provided (0 of 4 stars; one submission).

Allele frequency attached by ClinVar (database versions not stated): TOPMed 0.00001 and 0.00002; gnomAD 0.00003 and 0.00002; gnomAD exomes below 0.00001; ExAC 0.00001.
gnomAD v4.1: 4 of 1,613,744 alleles (0.00025%); highest among the groups gnomAD compares: Admixed American, 0.0017%; no homozygotes.

Submission:

ITMI
No classification provided. Condition: AllHighlyPenetrant. Last evaluated: 2013-09-19. Review status: no classification provided. Collection method: reference population. Allele origin: germline.
Comment: Please see associated publication for description of ethnicities

Literature cited by the submitters: PubMed 24728327.